The following is an entry in ClinVar:

ClinVar aggregate classification (germline): Uncertain significance. Review status: criteria provided, multiple submitters, no conflicts (2 of 4 stars). 3 submissions from 3 submitters: Uncertain significance (3). Last evaluated 2025-11-24.

Allele frequency attached by ClinVar (database versions not stated): gnomAD exomes 0.00003; ExAC 0.00007; 1000 Genomes Project 30x 0.00016; gnomAD 0.00019; 1000 Genomes Project 0.00020; ESP Exome Variant Server 0.00023.
gnomAD v4.1: 77 of 1,612,764 alleles (0.0048%); highest among the groups gnomAD compares: African/African-American, 0.068%; 1 homozygote.

Submissions (3):

Labcorp Genetics (formerly Invitae), Labcorp
Classification: Uncertain significance. Last evaluated: 2025-11-24. Review status: criteria provided, single submitter. Criteria: Invitae Variant Classification Sherloc (09022015). Collection method: clinical testing. Allele origin: germline.
Comment: This sequence change replaces alanine, which is neutral and non-polar, with valine, which is neutral and non-polar, at codon 291 of the COQ8B protein (p.Ala291Val). This variant is present in population databases (rs138255798, gnomAD 0.07%), including at least one homozygous and/or hemizygous individual. This variant has not been reported in the literature in individuals affected with COQ8B-related conditions. ClinVar contains an entry for this variant (Variation ID: 1704138). Invitae Evidence Modeling of protein sequence and biophysical properties (such as structural, functional, and spatial information, amino acid conservation, physicochemical variation, residue mobility, and thermodynamic stability) has been performed for this missense variant. However, the output from this modeling did not meet the statistical confidence thresholds required to predict the impact of this variant on COQ8B protein function. In summary, the available evidence is currently insufficient to determine the role of this variant in disease. Therefore, it has been classified as a Variant of Uncertain Significance.

GeneDx
Classification: Uncertain significance. Last evaluated: 2025-09-23. Review status: criteria provided, single submitter. Criteria: GeneDx Variant Classification Process June 2021. Collection method: clinical testing. Allele origin: germline. Affected: yes.
Comment: In silico analysis supports that this missense variant has a deleterious effect on protein structure/function; Has not been previously published as pathogenic or benign to our knowledge

Mayo Clinic Laboratories, Mayo Clinic
Classification: Uncertain significance. Last evaluated: 2024-01-03. Review status: criteria provided, single submitter. Criteria: ACMG Guidelines, 2015. Collection method: clinical testing. Allele origin: germline. Observed: 1 variant allele.
Comment: PP3

NM_024876.4(COQ8B):c.872C>T (p.Ala291Val)

Gene: COQ8B (coenzyme Q8B; minus strand). Cytogenetic location: 19q13.2.
Variant type: single nucleotide variant.
Coding change: c.872C>T on transcript NM_024876.4 (MANE Select); coding-DNA position 872, C replaced by T.
Protein change: p.Ala291Val; replaces alanine 291 with valine.
Molecular consequence: missense variant.
Genome position (GRCh38, 1-based): chr19:40,702,621, G>A on the plus strand (C>T on the coding strand, the complement: COQ8B is on the minus strand). VCF-style: chr19-40702621-G-A. GRCh37 (hg19) VCF-style: chr19-41208526-G-A.
Other names: p.Ala291Val; c.749C>T, p.Ala250Val (NM_001142555.3); short protein forms A250V, A291V.
Identifiers: ClinVar variation 1704138 (VCV001704138.6), dbSNP rs138255798, ClinGen allele CA9450237.
Genomic context (GRCh38, chr19:40,702,621, plus strand): 5'-GAGGGAGGGAAGGAGGGAAGCTCAGGGCACTCAGCTCACCTGAAATTCTGGGCACAAGCC[G>A]CCTCACGACGGTAGTCACACTCCCAAGCCAGCTCCTGCTGCAAGGCCTGCAGGCTCTGCT-3'
Protein context (NP_079152.3, residues 281-301): LAWECDYRRE[Ala291Val]ACAQNFRQLL